The following is an entry in ClinVar:

NM_001813.3(CENPE):c.3688-6G>T

Gene: CENPE (centromere protein E; minus strand). Cytogenetic location: 4q24.
Variant type: single nucleotide variant.
Coding change: c.3688-6G>T on transcript NM_001813.3 (MANE Select); 6 bases into the intron before coding-DNA position 3688, G replaced by T.
Molecular consequence: intron variant.
Genome position (GRCh38, 1-based): chr4:103,149,005, C>A on the plus strand (G>T on the coding strand, the complement: CENPE is on the minus strand). VCF-style: chr4-103149005-C-A. GRCh37 (hg19) VCF-style: chr4-104070162-C-A.
Other names: c.3613-6G>T (NM_001286734.2).
Identifiers: ClinVar variation 3351366 (VCV003351366.1).

ClinVar aggregate classification (germline): Likely benign (0 of 4 stars; one submission).

Conditions:
CENPE-related disorder. Also called: CENPE-related condition.

gnomAD v4.1: 16 of 1,608,018 alleles (0.001%); highest among the groups gnomAD compares: African/African-American, 0.022%; no homozygotes.

Submission:

PreventionGenetics, part of Exact Sciences
Classification: Likely benign for CENPE-related condition. Last evaluated: 2024-08-20. Review status: no assertion criteria provided. Collection method: clinical testing. Allele origin: germline.
Comment: This variant is classified as likely benign based on ACMG/AMP sequence variant interpretation guidelines (Richards et al. 2015 PMID: 25741868, with internal and published modifications).